The following is an entry in ClinVar:

ClinVar aggregate classification (germline): Uncertain significance (1 of 4 stars; one submission).

gnomAD v4.1: 37 of 1,614,152 alleles (0.0023%); highest among the groups gnomAD compares: Non-Finnish European, 0.0031%; no homozygotes.

Submission:

Labcorp Genetics (formerly Invitae), Labcorp
Classification: Uncertain significance. Last evaluated: 2023-11-25. Review status: criteria provided, single submitter. Criteria: Invitae Variant Classification Sherloc (09022015). Collection method: clinical testing. Allele origin: germline.
Comment: This sequence change replaces serine, which is neutral and polar, with isoleucine, which is neutral and non-polar, at codon 1743 of the KAT6A protein (p.Ser1743Ile). This variant is present in population databases (no rsID available, gnomAD 0.003%). This variant has not been reported in the literature in individuals affected with KAT6A-related conditions. Advanced modeling of protein sequence and biophysical properties (such as structural, functional, and spatial information, amino acid conservation, physicochemical variation, residue mobility, and thermodynamic stability) performed at Invitae indicates that this missense variant is expected to disrupt KAT6A protein function with a positive predictive value of 80%. In summary, the available evidence is currently insufficient to determine the role of this variant in disease. Therefore, it has been classified as a Variant of Uncertain Significance.

NM_006766.5(KAT6A):c.5228G>T (p.Ser1743Ile)

Gene: KAT6A (lysine acetyltransferase 6A; minus strand). Cytogenetic location: 8p11.21.
Variant type: single nucleotide variant.
Coding change: c.5228G>T on transcript NM_006766.5 (MANE Select); coding-DNA position 5228, G replaced by T.
Protein change: p.Ser1743Ile; replaces serine 1743 with isoleucine.
Molecular consequence: missense variant.
Genome position (GRCh38, 1-based): chr8:41,932,992, C>A on the plus strand (G>T on the coding strand, the complement: KAT6A is on the minus strand). VCF-style: chr8-41932992-C-A. GRCh37 (hg19) VCF-style: chr8-41790510-C-A.
Other names: short protein forms S1743I.
Identifiers: ClinVar variation 2900511 (VCV002900511.3), dbSNP rs1239809357, ClinGen allele CA371063179.
Genomic context (GRCh38, chr8:41,932,992, plus strand): 5'-ATGGTGTTGGTCAGCTGCTGCAGCTTGGCTAGGCTGAAGGTGGCTGATGGTTGAGAGTAG[C>A]TGCCGGCACCAAAATCCCCTGGAATCCTCTCATAGATACTTATGTTCCCAGTGCTTCCAG-3'
Protein context (NP_006757.2, residues 1733-1753): ERIPGDFGAG[Ser1743Ile]YSQPSATFSL